The following is an entry in ClinVar:

ClinVar aggregate classification (germline): Conflicting classifications of pathogenicity. Review status: criteria provided, conflicting classifications (1 of 4 stars). 2 submissions from 2 submitters: Uncertain significance (1); Likely benign (1). Last evaluated 2024-01-27.

Conditions:
Hereditary cancer-predisposing syndrome. Also called: Hereditary Cancer Syndrome; Hereditary neoplastic syndrome; Neoplastic Syndromes, Hereditary; Tumor predisposition. Identifiers: Orphanet 140162, MedGen C0027672, MeSH D009386, MONDO:0015356.
Hereditary breast ovarian cancer syndrome. Also called: Hereditary breast and ovarian cancer syndrome (HBOC); Breast and ovarian cancer; BRCA1- and BRCA2-Associated Hereditary Breast and Ovarian Cancer; Hereditary breast and/or ovarian cancer syndrome; Hereditary breast and ovarian cancer; Hereditary breast and ovarian cancer syndrome. Identifiers: Orphanet 145, MedGen C0677776, MeSH D061325, MONDO:0003582. Disease mechanism: loss of function.

Submissions (2):

Labcorp Genetics (formerly Invitae), Labcorp
Classification: Uncertain significance for Hereditary breast ovarian cancer syndrome. Last evaluated: 2024-01-27. Review status: criteria provided, single submitter. Criteria: Invitae Variant Classification Sherloc (09022015). Collection method: clinical testing. Allele origin: germline.
Comment: This sequence change replaces valine, which is neutral and non-polar, with alanine, which is neutral and non-polar, at codon 2014 of the BRCA2 protein (p.Val2014Ala). This variant is not present in population databases (gnomAD no frequency). This variant has not been reported in the literature in individuals affected with BRCA2-related conditions. ClinVar contains an entry for this variant (Variation ID: 1432780). Advanced modeling of protein sequence and biophysical properties (such as structural, functional, and spatial information, amino acid conservation, physicochemical variation, residue mobility, and thermodynamic stability) performed at Invitae indicates that this missense variant is not expected to disrupt BRCA2 protein function with a negative predictive value of 95%. In summary, the available evidence is currently insufficient to determine the role of this variant in disease. Therefore, it has been classified as a Variant of Uncertain Significance.

University of Washington Department of Laboratory Medicine, University of Washington
Classification: Likely benign for Hereditary cancer-predisposing syndrome. Last evaluated: 2023-03-23. Review status: criteria provided, single submitter. Criteria: Dines et al. (Genet Med. 2020). Collection method: curation. Allele origin: germline.
Comment: Missense variant in a coldspot region where missense variants are very unlikely to be pathogenic (PMID:31911673).

BRCA2 exon 11 coldspot. Reclassification based on statistical prior probability.

NM_000059.4(BRCA2):c.6041T>C (p.Val2014Ala)

Gene: BRCA2 (BRCA2 DNA repair associated; plus strand). Cytogenetic location: 13q13.1.
Variant type: single nucleotide variant.
Coding change: c.6041T>C on transcript NM_000059.4 (MANE Select); coding-DNA position 6041, T replaced by C.
Protein change: p.Val2014Ala; replaces valine 2014 with alanine.
Molecular consequence: missense variant.
Genome position (GRCh38, 1-based): chr13:32,340,396, T>C. VCF-style: chr13-32340396-T-C. GRCh37 (hg19) VCF-style: chr13-32914533-T-C.
Other names: short protein forms V2014A.
Identifiers: ClinVar variation 1432780 (VCV001432780.7), dbSNP rs2137523581, ClinGen allele CA387787836.